The following is an entry in ClinVar:

NM_000744.7(CHRNA4):c.1189G>A (p.Gly397Ser)

Gene: CHRNA4 (cholinergic receptor nicotinic alpha 4 subunit; minus strand). Cytogenetic location: 20q13.33.
Variant type: single nucleotide variant.
Coding change: c.1189G>A on transcript NM_000744.7 (MANE Select); coding-DNA position 1189, G replaced by A.
Protein change: p.Gly397Ser; replaces glycine 397 with serine.
Molecular consequence: missense variant. On other transcripts: non-coding transcript variant (1).
Genome position (GRCh38, 1-based): chr20:63,350,222, C>T on the plus strand (G>A on the coding strand, the complement: CHRNA4 is on the minus strand). VCF-style: chr20-63350222-C-T. GRCh37 (hg19) VCF-style: chr20-61981574-C-T.
Other names: c.661G>A, p.Gly221Ser (NM_001256573.2); short protein forms G221S, G397S.
Identifiers: ClinVar variation 1189786 (VCV001189786.13), dbSNP rs200667912, ClinGen allele CA9957640.

ClinVar aggregate classification (germline): Conflicting classifications of pathogenicity. Review status: criteria provided, conflicting classifications (1 of 4 stars). 3 submissions from 3 submitters: Uncertain significance (1); Likely benign (2). Last evaluated 2025-10-13.

Conditions:
Familial sleep-related hypermotor epilepsy. Also called: Autosomal Dominant Sleep-Related Hypermotor (Hyperkinetic) Epilepsy. Identifiers: Orphanet 98784, MedGen C3696898, MONDO:0000030.
Inborn genetic diseases. Identifiers: MedGen C0950123, MeSH D030342.

Allele frequency attached by ClinVar (database versions not stated): ExAC 0.00002; gnomAD 0.00003 and 0.00004; gnomAD exomes 0.00003; TOPMed 0.00003.
gnomAD v4.1: 55 of 1,606,782 alleles (0.0034%); highest among the groups gnomAD compares: East Asian, 0.013%; no homozygotes.

Submissions (3):

Labcorp Genetics (formerly Invitae), Labcorp
Classification: Likely benign. Last evaluated: 2025-10-13. Review status: criteria provided, single submitter. Criteria: Invitae Variant Classification Sherloc (09022015). Collection method: clinical testing. Allele origin: germline.

GeneDx
Classification: Likely benign. Last evaluated: 2021-03-18. Review status: criteria provided, single submitter. Criteria: GeneDx Variant Classification Process June 2021. Collection method: clinical testing. Allele origin: germline. Affected: yes.

Ambry Genetics
Classification: Uncertain significance for Inborn genetic diseases. Last evaluated: 2017-12-14. Review status: criteria provided, single submitter. Criteria: Ambry Variant Classification Scheme 2023. Collection method: clinical testing. Allele origin: germline.
Comment: The p.G397S variant (also known as c.1189G>A), located in coding exon 5 of the CHRNA4 gene, results from a G to A substitution at nucleotide position 1189. The glycine at codon 397 is replaced by serine, an amino acid with similar properties. This amino acid position is poorly conserved in available vertebrate species. In addition, this alteration is predicted to be tolerated by in silico analysis. Since supporting evidence is limited at this time, the clinical significance of this alteration remains unclear.